The following is an entry in ClinVar:

NM_001077350.3(NPRL3):c.812T>C (p.Leu271Pro)

Genes: HBA-LCR (alpha-globin locus control region; plus strand), NPRL3 (NPR3 like, GATOR1 complex subunit; minus strand). Cytogenetic location: 16p13.3.
Variant type: single nucleotide variant.
Coding change: c.812T>C on transcript NM_001077350.3 (MANE Select); coding-DNA position 812, T replaced by C.
Protein change: p.Leu271Pro; replaces leucine 271 with proline.
Molecular consequence: missense variant.
Genome position (GRCh38, 1-based): chr16:98,257, A>G on the plus strand (T>C on the coding strand, the complement: NPRL3 is on the minus strand). VCF-style: chr16-98257-A-G. GRCh37 (hg19) VCF-style: chr16-148255-A-G.
Other names: c.275T>C, p.Leu92Pro (NM_001039476.3); c.578T>C, p.Leu193Pro (NM_001243247.2); c.737T>C, p.Leu246Pro (NM_001243248.2, NM_001243249.2); short protein forms L271P, L246P, L92P, L193P.
Identifiers: ClinVar variation 2976528 (VCV002976528.3), dbSNP rs2542826447, ClinGen allele CA394055593.

ClinVar aggregate classification (germline): Uncertain significance (1 of 4 stars; one submission).

Conditions:
Epilepsy, familial focal, with variable foci 3 (FFEVF3). Identifiers: MedGen C4310708, MONDO:0014925, OMIM 617118.

Submission:

Labcorp Genetics (formerly Invitae), Labcorp
Classification: Uncertain significance for Epilepsy, familial focal, with variable foci 3. Last evaluated: 2023-10-13. Review status: criteria provided, single submitter. Criteria: Invitae Variant Classification Sherloc (09022015). Collection method: clinical testing. Allele origin: germline.
Comment: This sequence change replaces leucine, which is neutral and non-polar, with proline, which is neutral and non-polar, at codon 271 of the NPRL3 protein (p.Leu271Pro). This variant is not present in population databases (gnomAD no frequency). This variant has not been reported in the literature in individuals affected with NPRL3-related conditions. Advanced modeling of protein sequence and biophysical properties (such as structural, functional, and spatial information, amino acid conservation, physicochemical variation, residue mobility, and thermodynamic stability) has been performed at Invitae for this missense variant, however the output from this modeling did not meet the statistical confidence thresholds required to predict the impact of this variant on NPRL3 protein function. In summary, the available evidence is currently insufficient to determine the role of this variant in disease. Therefore, it has been classified as a Variant of Uncertain Significance.